The following is an entry in ClinVar:

ClinVar aggregate classification (germline): Uncertain significance (1 of 4 stars; one submission).

Allele frequency attached by ClinVar (database versions not stated): gnomAD exomes below 0.00001.
gnomAD v4.1: 1 of 1,613,996 alleles (0.000062%); highest among the groups gnomAD compares: Non-Finnish European, 0.000085%; no homozygotes.

Submission:

Labcorp Genetics (formerly Invitae), Labcorp
Classification: Uncertain significance. Last evaluated: 2022-08-26. Review status: criteria provided, single submitter. Criteria: Invitae Variant Classification Sherloc (09022015). Collection method: clinical testing. Allele origin: germline.
Comment: This sequence change replaces arginine, which is basic and polar, with glutamine, which is neutral and polar, at codon 607 of the ATP1A1 protein (p.Arg607Gln). In summary, the available evidence is currently insufficient to determine the role of this variant in disease. Therefore, it has been classified as a Variant of Uncertain Significance. Algorithms developed to predict the effect of missense changes on protein structure and function are either unavailable or do not agree on the potential impact of this missense change (SIFT: "Deleterious"; PolyPhen-2: "Probably Damaging"; Align-GVGD: "Class C0"). This variant has not been reported in the literature in individuals affected with ATP1A1-related conditions. This variant is not present in population databases (gnomAD no frequency).

NM_000701.8(ATP1A1):c.1820G>A (p.Arg607Gln)

Genes: ATP1A1 (ATPase Na+/K+ transporting subunit alpha 1; plus strand), ATP1A1-AS1 (ATP1A1 antisense RNA 1; minus strand). Cytogenetic location: 1p13.1.
Variant type: single nucleotide variant.
Coding change: c.1820G>A on transcript NM_000701.8 (MANE Select); coding-DNA position 1820, G replaced by A.
Protein change: p.Arg607Gln; replaces arginine 607 with glutamine.
Molecular consequence: missense variant.
Genome position (GRCh38, 1-based): chr1:116,395,269, G>A. VCF-style: chr1-116395269-G-A. GRCh37 (hg19) VCF-style: chr1-116937891-G-A.
Other names: c.1820G>A, p.Arg607Gln (NM_001160233.2); c.1727G>A, p.Arg576Gln (NM_001160234.2); short protein forms R576Q, R607Q.
Identifiers: ClinVar variation 1718063 (VCV001718063.5), dbSNP rs2525861612, ClinGen allele CA341771683.